The following is an entry in ClinVar:

ClinVar aggregate classification (germline): Benign/Likely benign. Review status: criteria provided, multiple submitters, no conflicts (2 of 4 stars). 4 submissions from 4 submitters: Benign (2); Likely benign (2). Last evaluated 2025-07-10.

Conditions:
Hereditary cancer-predisposing syndrome. Also called: Neoplastic Syndromes, Hereditary; Tumor predisposition; Hereditary neoplastic syndrome; Hereditary Cancer Syndrome. Identifiers: Orphanet 140162, MedGen C0027672, MeSH D009386, MONDO:0015356.

Allele frequency attached by ClinVar (database versions not stated): ExAC 0.02073; 1000 Genomes Project 30x 0.02155; 1000 Genomes Project 0.02157; ESP Exome Variant Server 0.02538; TOPMed 0.02705; gnomAD exomes 0.02847; gnomAD 0.04773 and 0.04859.
gnomAD v4.1: 21,419 of 694,206 alleles (3.1%); highest among the groups gnomAD compares: African/African-American, 6.1%; 295 homozygotes.

Submissions (4):

GeneKor MSA
Classification: Benign for Hereditary cancer-predisposing syndrome. Last evaluated: 2025-07-10. Review status: criteria provided, single submitter. Criteria: ACMG Guidelines, 2015. Collection method: clinical testing. Allele origin: germline.

Center for Genomic Medicine, Rigshospitalet, Copenhagen University Hospital
Classification: Benign. Last evaluated: 2025-03-04. Review status: criteria provided, single submitter. Criteria: ACMG Guidelines, 2015. Collection method: clinical testing. Allele origin: germline.

GeneDx
Classification: Likely benign. Last evaluated: 2018-06-17. Review status: criteria provided, single submitter. Criteria: GeneDx Variant Classification (06012015). Collection method: clinical testing. Allele origin: germline. Affected: yes.
Comment: This variant is considered likely benign or benign based on one or more of the following criteria: it is a conservative change, it occurs at a poorly conserved position in the protein, it is predicted to be benign by multiple in silico algorithms, and/or has population frequency not consistent with disease.

Breakthrough Genomics
Classification: Likely benign. Review status: criteria provided, single submitter. Criteria: ACMG Guidelines, 2015. Collection method: not provided. Allele origin: germline. Inheritance: Autosomal dominant inheritance. Affected: yes.

NM_002691.4(POLD1):c.1495-44A>G

Gene: POLD1 (DNA polymerase delta 1, catalytic subunit; plus strand). Cytogenetic location: 19q13.33.
Variant type: single nucleotide variant.
Coding change: c.1495-44A>G on transcript NM_002691.4 (MANE Select); 44 bases into the intron before coding-DNA position 1495, A replaced by G.
Molecular consequence: intron variant.
Genome position (GRCh38, 1-based): chr19:50,406,939, A>G. VCF-style: chr19-50406939-A-G. GRCh37 (hg19) VCF-style: chr19-50910196-A-G.
Other names: c.1495-44A>G (NM_001256849.1, NM_001308632.1).
Identifiers: ClinVar variation 676510 (VCV000676510.10), dbSNP rs3219396, ClinGen allele CA9596153.